The following is an entry in ClinVar:

NM_015656.2(KIF26A):c.60G>A (p.Pro20=)

Gene: KIF26A (kinesin family member 26A; plus strand). Cytogenetic location: 14q32.33.
Variant type: single nucleotide variant.
Coding change: c.60G>A on transcript NM_015656.2 (MANE Select); coding-DNA position 60, G replaced by A.
Protein change: p.Pro20=; no amino-acid change (proline 20 retained).
Molecular consequence: synonymous variant.
Genome position (GRCh38, 1-based): chr14:104,139,060, G>A. VCF-style: chr14-104139060-G-A. GRCh37 (hg19) VCF-style: chr14-104605397-G-A.
Identifiers: ClinVar variation 2644596 (VCV002644596.24), dbSNP rs1019832902, ClinGen allele CA267278068.

ClinVar aggregate classification (germline): Likely benign (1 of 4 stars; one submission).

Allele frequency attached by ClinVar (database versions not stated): TOPMed 0.00007; gnomAD 0.00008; gnomAD exomes 0.00011; 1000 Genomes Project 30x 0.00016.
gnomAD v4.1: 148 of 1,377,358 alleles (0.011%); highest among the groups gnomAD compares: Non-Finnish European, 0.0096%; no homozygotes.

Submission:

CeGaT Center for Human Genetics Tuebingen
Classification: Likely benign. Last evaluated: 2022-11-01. Review status: criteria provided, single submitter. Criteria: CeGaT Center For Human Genetics Tuebingen Variant Classification Criteria Version 2. Collection method: clinical testing. Allele origin: germline. Affected: yes. Observed: 1 variant allele.
Comment: KIF26A: BP4, BP7